The following is an entry in ClinVar:

NM_144666.3(DNHD1):c.1838-1G>A

Gene: DNHD1 (dynein heavy chain domain 1; plus strand). Cytogenetic location: 11p15.4.
Variant type: single nucleotide variant.
Coding change: c.1838-1G>A on transcript NM_144666.3 (MANE Select); the canonical splice acceptor site of the intron before coding-DNA position 1838, G replaced by A.
Molecular consequence: splice acceptor variant.
Genome position (GRCh38, 1-based): chr11:6,528,521, G>A. VCF-style: chr11-6528521-G-A. GRCh37 (hg19) VCF-style: chr11-6549751-G-A.
Identifiers: ClinVar variation 2052956 (VCV002052956.1), dbSNP rs899201476, ClinGen allele CA217300816.
Genomic context (GRCh38, chr11:6,528,521, plus strand): 5'-GGAAGATTGTTTGTGGGCTCTGGAGGGTACTCACGGACAATTATGGCCTGTGCTCCACTA[G>A]AAGAAGATGAAGAGGAGGACTCAAAAGACGAATTTCTGATGCCCAAGTTCCAGGGCCAGC-3'

ClinVar aggregate classification (germline): Likely pathogenic (1 of 4 stars; one submission).

Allele frequency attached by ClinVar (database versions not stated): gnomAD 0.00002; TOPMed 0.00005.
gnomAD v4.1: 13 of 1,548,562 alleles (0.00084%); highest among the groups gnomAD compares: African/African-American, 0.0082%; no homozygotes.

Submission:

Labcorp Genetics (formerly Invitae), Labcorp
Classification: Likely pathogenic. Last evaluated: 2022-06-28. Review status: criteria provided, single submitter. Criteria: Invitae Variant Classification Sherloc (09022015). Collection method: clinical testing. Allele origin: germline.
Comment: This sequence change affects an acceptor splice site in intron 10 of the DNHD1 gene. It is expected to disrupt RNA splicing. Variants that disrupt the donor or acceptor splice site typically lead to a loss of protein function (PMID: 16199547), and loss-of-function variants in DNHD1 are known to be pathogenic (PMID: 34932939). This variant is present in population databases (no rsID available, gnomAD 0.03%). This variant has not been reported in the literature in individuals affected with DNHD1-related conditions. Algorithms developed to predict the effect of sequence changes on RNA splicing suggest that this variant may disrupt the consensus splice site. In summary, the currently available evidence indicates that the variant is pathogenic, but additional data are needed to prove that conclusively. Therefore, this variant has been classified as Likely Pathogenic.

Literature cited by the submitters: PubMed 16199547; PubMed 34932939.